The following is an entry in ClinVar:

ClinVar aggregate classification (germline): Uncertain significance (1 of 4 stars; one submission).

Conditions:
Argininosuccinate lyase deficiency. Also called: ARGININOSUCCINIC ACID LYASE DEFICIENCY; ASL DEFICIENCY; Argininosuccinic aciduria. Identifiers: Orphanet 23, MedGen C0268547, MONDO:0008815, OMIM 207900, HP:0025630.

Submission:

Labcorp Genetics (formerly Invitae), Labcorp
Classification: Uncertain significance for Argininosuccinate lyase deficiency. Last evaluated: 2023-09-12. Review status: criteria provided, single submitter. Criteria: Invitae Variant Classification Sherloc (09022015). Collection method: clinical testing. Allele origin: germline.
Comment: In summary, the available evidence is currently insufficient to determine the role of this variant in disease. Therefore, it has been classified as a Variant of Uncertain Significance. Advanced modeling of protein sequence and biophysical properties (such as structural, functional, and spatial information, amino acid conservation, physicochemical variation, residue mobility, and thermodynamic stability) performed at Invitae indicates that this missense variant is expected to disrupt ASL protein function. This variant has not been reported in the literature in individuals affected with ASL-related conditions. This variant is not present in population databases (gnomAD no frequency). This sequence change replaces aspartic acid, which is acidic and polar, with asparagine, which is neutral and polar, at codon 291 of the ASL protein (p.Asp291Asn).

NM_000048.4(ASL):c.871G>A (p.Asp291Asn)

Gene: ASL (argininosuccinate lyase; plus strand). Cytogenetic location: 7q11.21.
Variant type: single nucleotide variant.
Coding change: c.871G>A on transcript NM_000048.4 (MANE Select); coding-DNA position 871, G replaced by A.
Protein change: p.Asp291Asn; replaces aspartic acid 291 with asparagine.
Molecular consequence: missense variant.
Genome position (GRCh38, 1-based): chr7:66,089,128, G>A. VCF-style: chr7-66089128-G-A. GRCh37 (hg19) VCF-style: chr7-65554115-G-A.
Other names: c.871G>A, p.Asp291Asn (NM_001024943.2, NM_001024944.2); c.793G>A, p.Asp265Asn (NM_001024946.2); short protein forms D265N, D291N.
Identifiers: ClinVar variation 2911502 (VCV002911502.3), dbSNP rs2485018799, ClinGen allele CA367645538.